The following is an entry in ClinVar:

ClinVar aggregate classification (germline): Uncertain significance. Review status: criteria provided, multiple submitters, no conflicts (2 of 4 stars). 2 submissions from 2 submitters: Uncertain significance (2). Last evaluated 2025-03-22.

Conditions:
Inborn genetic diseases. Identifiers: MedGen C0950123, MeSH D030342.
PIEZO1-related disorder. Also called: PIEZO1-related condition; PIEZO1-Related Disorders.

Allele frequency attached by ClinVar (database versions not stated): gnomAD 0.00001; gnomAD exomes 0.00001.
gnomAD v4.1: 16 of 1,550,062 alleles (0.001%); highest among the groups gnomAD compares: African/African-American, 0.0027%; no homozygotes.

Submissions (2):

Ambry Genetics
Classification: Uncertain significance for Inborn genetic diseases. Last evaluated: 2025-03-22. Review status: criteria provided, single submitter. Criteria: Ambry Variant Classification Scheme 2023. Collection method: clinical testing. Allele origin: germline.

PreventionGenetics, part of Exact Sciences
Classification: Uncertain significance for PIEZO1-related condition. Last evaluated: 2022-09-26. Review status: criteria provided, single submitter. Criteria: ACMG Guidelines, 2015. Collection method: clinical testing. Allele origin: germline.
Comment: The PIEZO1 c.7261G>A variant is predicted to result in the amino acid substitution p.Val2421Ile. To our knowledge, this variant has not been reported in the literature. This variant is reported in 0.0017% of alleles in individuals of European (Non-Finnish) descent in gnomAD. At this time, the clinical significance of this variant is uncertain due to the absence of conclusive functional and genetic evidence.

NM_001142864.4(PIEZO1):c.7261G>A (p.Val2421Ile)

Gene: PIEZO1 (piezo type mechanosensitive ion channel component 1 (Er blood group); minus strand). Cytogenetic location: 16q24.3.
Variant type: single nucleotide variant.
Coding change: c.7261G>A on transcript NM_001142864.4 (MANE Select); coding-DNA position 7261, G replaced by A.
Protein change: p.Val2421Ile; replaces valine 2421 with isoleucine.
Molecular consequence: missense variant.
Genome position (GRCh38, 1-based): chr16:88,715,988, C>T on the plus strand (G>A on the coding strand, the complement: PIEZO1 is on the minus strand). VCF-style: chr16-88715988-C-T. GRCh37 (hg19) VCF-style: chr16-88782396-C-T.
Other names: c.5803G>A, p.Val1935Ile (NM_014745.1); c.7261G>A (NM_001142864.2); short protein forms V1935I, V2421I.
Identifiers: ClinVar variation 2637132 (VCV002637132.2), dbSNP rs995900612, ClinGen allele CA286406121.
Genomic context (GRCh38, chr16:88,715,988, plus strand): 5'-CTCACCCGTAGCCAGCCAGGAAGCCGAGGCTCGGTGGGCTGACCTTGTCACTGAAAATGA[C>T]CATGGGCAGCAGGTTGCAGTCGGTCCGGCACTCCTGCAGCTCGATGACCCACCATTCGAG-3'
Protein context (NP_001136336.2, residues 2411-2431): CRTDCNLLPM[Val2421Ile]IFSDKVSPPS